The following is an entry in ClinVar:

NM_005720.4(ARPC1B):c.1110G>C (p.Lys370Asn)

Gene: ARPC1B (actin related protein 2/3 complex subunit 1B; plus strand). Cytogenetic location: 7q22.1.
Variant type: single nucleotide variant.
Coding change: c.1110G>C on transcript NM_005720.4 (MANE Select); coding-DNA position 1110, G replaced by C.
Protein change: p.Lys370Asn; replaces lysine 370 with asparagine.
Molecular consequence: missense variant.
Genome position (GRCh38, 1-based): chr7:99,394,480, G>C. VCF-style: chr7-99394480-G-C. GRCh37 (hg19) VCF-style: chr7-98992103-G-C.
Other names: short protein forms K370N.
Identifiers: ClinVar variation 3026993 (VCV003026993.22), dbSNP rs1246485824, ClinGen allele CA368331577.
Genomic context (GRCh38, chr7:99,394,480, plus strand): 5'-GAACCAGCCTGTCCGTTCTGCCTCCCTGCAGAGCTTGGAGTCAGCCTTGAAGGACCTCAA[G>C]ATCAAATGACCTGTGAGGAATATGTTGCCTTCATCCTAGCTGCTGGGGAAGCGGGGAGAG-3'
Protein context (NP_005711.1, residues 360-372): KSLESALKDL[Lys370Asn]IK

ClinVar aggregate classification (germline): Uncertain significance (1 of 4 stars; one submission).

Submission:

CeGaT Center for Human Genetics Tuebingen
Classification: Uncertain significance. Last evaluated: 2024-01-01. Review status: criteria provided, single submitter. Criteria: CeGaT Center For Human Genetics Tuebingen Variant Classification Criteria Version 2. Collection method: clinical testing. Allele origin: germline. Affected: yes. Observed: 1 variant allele.
Comment: ARPC1B: PM2